The following is an entry in ClinVar:

ClinVar aggregate classification (germline): Uncertain significance (1 of 4 stars; one submission).

Submission:

Labcorp Genetics (formerly Invitae), Labcorp
Classification: Uncertain significance. Last evaluated: 2025-04-20. Review status: criteria provided, single submitter. Criteria: Invitae Variant Classification Sherloc (09022015). Collection method: clinical testing. Allele origin: germline.
Comment: This sequence change creates a premature translational stop signal (p.Gly89Glufs*12) in the SUCLG2 gene. It is expected to result in an absent or disrupted protein product. However, the current clinical and genetic evidence is not sufficient to establish whether loss-of-function variants in SUCLG2 cause disease. This variant is present in population databases (no rsID available, gnomAD 0.01%). This variant has not been reported in the literature in individuals affected with SUCLG2-related conditions. ClinVar contains an entry for this variant (Variation ID: 2885248). Algorithms developed to predict the effect of sequence changes on RNA splicing suggest that this variant may disrupt the consensus splice site. In summary, the available evidence is currently insufficient to determine the role of this variant in disease. Therefore, it has been classified as a Variant of Uncertain Significance.

NM_003848.4(SUCLG2):c.266del (p.Gly89fs)

Gene: SUCLG2 (succinate-CoA ligase GDP-forming subunit beta; minus strand). Cytogenetic location: 3p14.1.
Variant type: Deletion.
Coding change: c.266del on transcript NM_003848.4 (MANE Select); coding-DNA position 266, one base deleted (G; older notation c.266delG).
Protein change: p.Gly89fs; shifts the reading frame from glycine 89.
Molecular consequence: frameshift variant.
Genome position (GRCh38, 1-based): chr3:67,529,147, C deleted on the plus strand (G on the coding strand, the reverse complement: SUCLG2 is on the minus strand); the first of 2 consecutive C bases (chr3:67,529,147-67,529,148); deleting either gives the same sequence. VCF-style (leftmost placement, unchanged base first): chr3-67529146-TC-T. GRCh37 (hg19) VCF-style: chr3-67579570-TC-T.
Other names: c.266del, p.Gly89fs (NM_001177599.2); short protein forms G89fs.
Identifiers: ClinVar variation 2885248 (VCV002885248.3), dbSNP rs1309580286, ClinGen allele CA543740416.